The following is an entry in ClinVar:

ClinVar aggregate classification (germline): Uncertain significance (1 of 4 stars; one submission).

Allele frequency attached by ClinVar (database versions not stated): gnomAD exomes below 0.00001.
gnomAD v4.1: 2 of 1,613,844 alleles (0.00012%); highest among the groups gnomAD compares: Non-Finnish European, 0.00017%; no homozygotes.

Submission:

Women's Health and Genetics/Laboratory Corporation of America, LabCorp
Classification: Uncertain significance. Last evaluated: 2024-04-24. Review status: criteria provided, single submitter. Criteria: LabCorp Variant Classification Summary - May 2015. Collection method: clinical testing. Allele origin: germline.
Comment: Variant summary: GCDH c.671T>C (p.Val224Ala) results in a non-conservative amino acid change located in the Acyl-CoA oxidase/dehydrogenase, middle domain (IPR006091) of the encoded protein sequence. Five of five in-silico tools predict a damaging effect of the variant on protein function. The variant was absent in 251402 control chromosomes (gnomAD). The available data on variant occurrences in the general population are insufficient to allow any conclusion about variant significance. To our knowledge, no occurrence of c.671T>C in individuals affected with Glutaric Acidemia Type 1 and no experimental evidence demonstrating its impact on protein function have been reported. No submitters have cited clinical-significance assessments for this variant to ClinVar. Based on the evidence outlined above, the variant was classified as uncertain significance.

NM_000159.4(GCDH):c.671T>C (p.Val224Ala)

Gene: GCDH (glutaryl-CoA dehydrogenase; plus strand). Cytogenetic location: 19p13.13.
Variant type: single nucleotide variant.
Coding change: c.671T>C on transcript NM_000159.4 (MANE Select); coding-DNA position 671, T replaced by C.
Protein change: p.Val224Ala; replaces valine 224 with alanine.
Molecular consequence: missense variant. On other transcripts: non-coding transcript variant (2).
Genome position (GRCh38, 1-based): chr19:12,896,240, T>C. VCF-style: chr19-12896240-T-C. GRCh37 (hg19) VCF-style: chr19-13007054-T-C.
Other names: c.671T>C, p.Val224Ala (NM_013976.5); short protein forms V224A.
Identifiers: ClinVar variation 3251744 (VCV003251744.1), dbSNP rs1970675584.